The following is an entry in ClinVar:

NM_001374736.1(DST):c.21994+13C>T

Gene: DST (dystonin; minus strand). Cytogenetic location: 6p12.1.
Variant type: single nucleotide variant.
Coding change: c.21994+13C>T on transcript NM_001374736.1 (MANE Select); 13 bases into the intron after coding-DNA position 21994, C replaced by T.
Molecular consequence: intron variant.
Genome position (GRCh38, 1-based): chr6:56,473,860, G>A on the plus strand (C>T on the coding strand, the complement: DST is on the minus strand). VCF-style: chr6-56473860-G-A. GRCh37 (hg19) VCF-style: chr6-56338658-G-A.
Other names: c.15637+13C>T (NM_001144769.5); c.21994+13C>T (NM_001374722.1); c.22021+13C>T (NM_001374734.1); c.15223+13C>T (NM_001144770.2); c.14776+13C>T (NM_001374730.1); c.15103+13C>T (NM_001386100.1, NM_183380.4); c.21034+13C>T (NM_001374729.1); c.14125+13C>T (NM_015548.5).
Identifiers: ClinVar variation 2153793 (VCV002153793.1), dbSNP rs754689562, ClinGen allele CA3866359.

ClinVar aggregate classification (germline): Uncertain significance (1 of 4 stars; one submission).

Conditions:
Hereditary sensory and autonomic neuropathy type 6. Also called: HSAN VI; Neuropathy, hereditary sensory and autonomic, type VI. Identifiers: Orphanet 314381, MedGen C3539003, MONDO:0013839, OMIM 614653.
Epidermolysis bullosa simplex 3, localized or generalized intermediate, with BP230 deficiency (EBS3). Also called: Epidermolysis bullosa simplex due to BP230 deficiency; Epidermolysis bullosa simplex, autosomal recessive 2. Identifiers: Orphanet 412181, MedGen C3809470, MONDO:0014180, OMIM 615425.

Allele frequency attached by ClinVar (database versions not stated): ExAC 0.00002.
gnomAD v4.1: 11 of 1,584,574 alleles (0.00069%); highest among the groups gnomAD compares: East Asian, 0.025%; no homozygotes.

Submission:

Labcorp Genetics (formerly Invitae), Labcorp
Classification: Uncertain significance for Epidermolysis bullosa simplex 3, localized or generalized intermediate, with BP230 deficiency; Hereditary sensory and autonomic neuropathy type 6. Last evaluated: 2022-07-21. Review status: criteria provided, single submitter. Criteria: Invitae Variant Classification Sherloc (09022015). Collection method: clinical testing. Allele origin: germline.
Comment: The DST gene has multiple clinically relevant transcripts. This variant occurs in alternate transcript NM_015548.4, and corresponds to NM_001723.5:*141657C>T in the primary transcript. This sequence change falls in intron 74 of the DST gene. It does not directly change the encoded amino acid sequence of the DST protein. The frequency data for this variant in the population databases is considered unreliable, as metrics indicate poor data quality at this position in the gnomAD database. This variant has not been reported in the literature in individuals affected with DST-related conditions. Experimental studies and prediction algorithms are not available or were not evaluated, and the effect of this variant on mRNA splicing is currently unknown. In summary, the available evidence is currently insufficient to determine the role of this variant in disease. Therefore, it has been classified as a Variant of Uncertain Significance.